The following is an entry in ClinVar:

NM_000587.4(C7):c.1453G>A (p.Ala485Thr)

Gene: C7 (complement C7; plus strand). Cytogenetic location: 5p13.1.
Variant type: single nucleotide variant.
Coding change: c.1453G>A on transcript NM_000587.4 (MANE Select); coding-DNA position 1453, G replaced by A.
Protein change: p.Ala485Thr; replaces alanine 485 with threonine.
Molecular consequence: missense variant.
Genome position (GRCh38, 1-based): chr5:40,958,225, G>A. VCF-style: chr5-40958225-G-A. GRCh37 (hg19) VCF-style: chr5-40958327-G-A.
Other names: short protein forms A485T.
Identifiers: ClinVar variation 4838633 (VCV004838633.1).

ClinVar aggregate classification (germline): Uncertain significance (1 of 4 stars; one submission).

Conditions:
Inborn genetic diseases. Identifiers: MedGen C0950123, MeSH D030342.

gnomAD v4.1: 16 of 1,611,826 alleles (0.00099%); highest among the groups gnomAD compares: Non-Finnish European, 0.00051%; no homozygotes.

Submission:

Ambry Genetics
Classification: Uncertain significance for Inborn genetic diseases. Last evaluated: 2025-12-30. Review status: criteria provided, single submitter. Criteria: Ambry Variant Classification Scheme 2023. Collection method: clinical testing. Allele origin: germline.
Comment: The c.1453G>A (p.A485T) alteration is located in exon 11 (coding exon 11) of the C7 gene. This alteration results from a G to A substitution at nucleotide position 1453, causing the alanine (A) at amino acid position 485 to be replaced by a threonine (T). Based on data from gnomAD, the A allele has an overall frequency of 0.003% (7/247068) total alleles studied. The highest observed frequency was 0.033% (2/5986) of Other alleles. Based on insufficient or conflicting evidence, the clinical significance of this alteration remains unclear.